The following is an entry in ClinVar:

ClinVar aggregate classification (germline): Uncertain significance. Review status: criteria provided, single submitter (1 of 4 stars). 2 submissions from 2 submitters: Uncertain significance (1). 1 of the submissions does not count toward it. Last evaluated 2022-10-13.

Conditions:
Usher syndrome type 1 (USH1). Also called: RETINITIS PIGMENTOSA AND CONGENITAL DEAFNESS. Identifiers: Orphanet 231169, Orphanet 886, MedGen C1568247, MONDO:0010168, OMIM 276900.

Allele frequency attached by ClinVar (database versions not stated): gnomAD 0.00001; TOPMed 0.00001.
gnomAD v4.1: 10 of 1,613,862 alleles (0.00062%); highest among the groups gnomAD compares: Middle Eastern, 0.016%; no homozygotes.

Submissions (2):

Labcorp Genetics (formerly Invitae), Labcorp
Classification: Uncertain significance. Last evaluated: 2022-10-13. Review status: criteria provided, single submitter. Criteria: Invitae Variant Classification Sherloc (09022015). Collection method: clinical testing. Allele origin: germline.
Comment: This sequence change replaces methionine, which is neutral and non-polar, with threonine, which is neutral and polar, at codon 3062 of the CDH23 protein (p.Met3062Thr). This variant is present in population databases (rs770888523, gnomAD 0.002%). This variant has not been reported in the literature in individuals affected with CDH23-related conditions. ClinVar contains an entry for this variant (Variation ID: 1041135). Advanced modeling of protein sequence and biophysical properties (such as structural, functional, and spatial information, amino acid conservation, physicochemical variation, residue mobility, and thermodynamic stability) performed at Invitae indicates that this missense variant is not expected to disrupt CDH23 protein function. In summary, the available evidence is currently insufficient to determine the role of this variant in disease. Therefore, it has been classified as a Variant of Uncertain Significance.

Natera, Inc.
Classification: Uncertain significance for Usher syndrome type 1. Last evaluated: 2020-12-23. Review status: no assertion criteria provided. Collection method: clinical testing. Allele origin: germline. Not counted in ClinVar's aggregate classification.

NM_022124.6(CDH23):c.9185T>C (p.Met3062Thr)

Gene: CDH23 (cadherin related 23; plus strand). Cytogenetic location: 10q22.1.
Variant type: single nucleotide variant.
Coding change: c.9185T>C on transcript NM_022124.6 (MANE Select); coding-DNA position 9185, T replaced by C.
Protein change: p.Met3062Thr; replaces methionine 3062 with threonine.
Molecular consequence: missense variant.
Genome position (GRCh38, 1-based): chr10:71,811,422, T>C. VCF-style: chr10-71811422-T-C. GRCh37 (hg19) VCF-style: chr10-73571179-T-C.
Other names: c.2465T>C, p.Met822Thr (NM_001171933.1, NM_001171934.1); short protein forms M3062T, M822T.
Identifiers: ClinVar variation 1041135 (VCV001041135.7), dbSNP rs770888523, ClinGen allele CA5546908.
Genomic context (GRCh38, chr10:71,811,422, plus strand): 5'-TCCGGAACTACAACGTCCTGGACGTGCAGCCTGCCATCTCTGTCCGGCTGCCGGATGACA[T>C]GTCTGCCCTGCAGGTACCCGGCGACCGTGCCCCACAGCCCTAGCCGCCCTCCCCACTGCC-3'
Protein context (NP_071407.4, residues 3052-3072): PAISVRLPDD[Met3062Thr]SALQMAIIVL